The following is an entry in ClinVar:

ClinVar aggregate classification (germline): Benign. Review status: criteria provided, multiple submitters, no conflicts (2 of 4 stars). 2 submissions from 2 submitters: Benign (2). Last evaluated 2018-06-16.

Allele frequency attached by ClinVar (database versions not stated): 1000 Genomes Project 0.10423; 1000 Genomes Project 30x 0.10712; TOPMed 0.12009; gnomAD 0.12421 and 0.12463.

Submissions (4):

GeneDx
Classification: Benign. Last evaluated: 2018-06-16. Review status: criteria provided, single submitter. Criteria: GeneDx Variant Classification (06012015). Collection method: clinical testing. Allele origin: germline. Affected: yes.
Comment: This variant is considered likely benign or benign based on one or more of the following criteria: it is a conservative change, it occurs at a poorly conserved position in the protein, it is predicted to be benign by multiple in silico algorithms, and/or has population frequency not consistent with disease.

Breakthrough Genomics
Classification: Benign. Review status: criteria provided, single submitter. Criteria: ACMG Guidelines, 2015. Collection method: not provided. Allele origin: germline. Inheritance: Autosomal recessive inheritance. Affected: yes.

Dr. Peter K. Rogan Lab, Western University
No classification provided (evidence only). Condition: Acute myeloid leukemia. Review status: no classification provided. Collection method: in vitro. Allele origin: not applicable. Functional consequence: retained intron. Not counted in ClinVar's aggregate classification.

Dr. Peter K. Rogan Lab, Western University
No classification provided (evidence only). Condition: Uterine carcinosarcoma. Review status: no classification provided. Collection method: in vitro. Allele origin: not applicable. Functional consequence: retained intron. Not counted in ClinVar's aggregate classification.

NM_003331.5(TYK2):c.2467-171G>A

Gene: TYK2 (tyrosine kinase 2; minus strand). Cytogenetic location: 19p13.2.
Variant type: single nucleotide variant.
Coding change: c.2467-171G>A on transcript NM_003331.5 (MANE Select); 171 bases into the intron before coding-DNA position 2467, G replaced by A.
Molecular consequence: intron variant.
Genome position (GRCh38, 1-based): chr19:10,356,889, C>T on the plus strand (G>A on the coding strand, the complement: TYK2 is on the minus strand). VCF-style: chr19-10356889-C-T. GRCh37 (hg19) VCF-style: chr19-10467565-C-T.
Other names: NC_000019.9:g.10467565C>T.
Identifiers: ClinVar variation 677727 (VCV000677727.3), dbSNP rs12720307, ClinGen allele CA14696751.